The following is an entry in ClinVar:

ClinVar aggregate classification (germline): Pathogenic (1 of 4 stars; one submission).

Submission:

Labcorp Genetics (formerly Invitae), Labcorp
Classification: Pathogenic. Last evaluated: 2023-06-05. Review status: criteria provided, single submitter. Criteria: Invitae Variant Classification Sherloc (09022015). Collection method: clinical testing. Allele origin: germline.
Comment: This sequence change creates a premature translational stop signal (p.Arg2175Leufs*11) in the USH2A gene. It is expected to result in an absent or disrupted protein product. Loss-of-function variants in USH2A are known to be pathogenic (PMID: 10729113, 10909849, 20507924, 25649381). This variant is present in population databases (rs779155693, gnomAD 0.0009%). This variant has not been reported in the literature in individuals affected with USH2A-related conditions. For these reasons, this variant has been classified as Pathogenic.

Literature cited by the submitters: PubMed 10729113; PubMed 10909849; PubMed 20507924; PubMed 25649381.

NM_206933.4(USH2A):c.6524_6525del (p.Arg2175fs)

Gene: USH2A (usherin; minus strand). Cytogenetic location: 1q41.
Variant type: Deletion.
Coding change: c.6524_6525del on transcript NM_206933.4 (MANE Select); coding-DNA positions 6524 to 6525, 2 bases deleted (GC; older notation c.6524_6525delGC).
Protein change: p.Arg2175fs; shifts the reading frame from arginine 2175.
Molecular consequence: frameshift variant.
Genome position (GRCh38, 1-based): chr1:215,999,019-215,999,020, GC deleted on the plus strand (GC on the coding strand, the reverse complement: USH2A is on the minus strand); deleting any 2 consecutive bases within chr1:215,999,019-215,999,021 gives the same sequence; the c. name uses the placement nearest the transcript's 3' end. VCF-style (leftmost placement, unchanged base first): chr1-215999018-AGC-A. GRCh37 (hg19) VCF-style: chr1-216172360-AGC-A.
Other names: short protein forms R2175fs.
Identifiers: ClinVar variation 2692662 (VCV002692662.3), dbSNP rs779155693, ClinGen allele CA1395113.